The following is an entry in ClinVar:

NM_001035.3(RYR2):c.11403-2A>G

Gene: RYR2 (ryanodine receptor 2; plus strand). Cytogenetic location: 1q43.
Variant type: single nucleotide variant.
Coding change: c.11403-2A>G on transcript NM_001035.3 (MANE Select); the canonical splice acceptor site of the intron before coding-DNA position 11403, A replaced by G.
Molecular consequence: splice acceptor variant.
Genome position (GRCh38, 1-based): chr1:237,760,953, A>G. VCF-style: chr1-237760953-A-G. GRCh37 (hg19) VCF-style: chr1-237924253-A-G.
Identifiers: ClinVar variation 4733359 (VCV004733359.1).

ClinVar aggregate classification (germline): Uncertain significance (1 of 4 stars; one submission).

Conditions:
Catecholaminergic polymorphic ventricular tachycardia 1. Also called: VENTRICULAR TACHYCARDIA, CATECHOLAMINERGIC POLYMORPHIC, 1, WITH OR WITHOUT ATRIAL DYSFUNCTION AND/OR DILATED CARDIOMYOPATHY; RYR2-Related Catecholaminergic Polymorphic Ventricular Tachycardia; VENTRICULAR TACHYCARDIA, STRESS-INDUCED POLYMORPHIC 1. Identifiers: Orphanet 3286, MedGen C1631597, MONDO:0011484, OMIM 604772.

Submission:

Labcorp Genetics (formerly Invitae), Labcorp
Classification: Uncertain significance for Catecholaminergic polymorphic ventricular tachycardia 1. Last evaluated: 2025-12-28. Review status: criteria provided, single submitter. Criteria: Invitae Variant Classification Sherloc (09022015). Collection method: clinical testing. Allele origin: germline.
Comment: This sequence change affects an acceptor splice site in intron 83 of the RYR2 gene. It is expected to disrupt RNA splicing. Variants that disrupt the donor or acceptor splice site typically lead to a loss of protein function (PMID: 16199547), however the current clinical and genetic evidence is not sufficient to establish whether loss-of-function variants in RYR2 cause disease. This variant is not present in population databases (gnomAD no frequency). This variant has not been reported in the literature in individuals affected with RYR2-related conditions. Algorithms developed to predict the effect of sequence changes on RNA splicing suggest that this variant may disrupt the consensus splice site. In summary, the available evidence is currently insufficient to determine the role of this variant in disease. Therefore, it has been classified as a Variant of Uncertain Significance.

Literature cited by the submitters: PubMed 16199547.